The following is an entry in ClinVar:

ClinVar aggregate classification (germline): Uncertain significance (1 of 4 stars; one submission).

Allele frequency attached by ClinVar (database versions not stated): gnomAD 0.00001; gnomAD exomes 0.00001.
gnomAD v4.1: 20 of 1,612,210 alleles (0.0012%); highest among the groups gnomAD compares: Non-Finnish European, 0.0016%; no homozygotes.

Submission:

Labcorp Genetics (formerly Invitae), Labcorp
Classification: Uncertain significance. Last evaluated: 2022-04-28. Review status: criteria provided, single submitter. Criteria: Invitae Variant Classification Sherloc (09022015). Collection method: clinical testing. Allele origin: germline.
Comment: In summary, the available evidence is currently insufficient to determine the role of this variant in disease. Therefore, it has been classified as a Variant of Uncertain Significance. Algorithms developed to predict the effect of missense changes on protein structure and function are either unavailable or do not agree on the potential impact of this missense change (SIFT: "Tolerated"; PolyPhen-2: "Probably Damaging"; Align-GVGD: "Class C0"). This variant has not been reported in the literature in individuals affected with HMCN1-related conditions. This variant is present in population databases (no rsID available, gnomAD 0.0009%). This sequence change replaces glycine, which is neutral and non-polar, with arginine, which is basic and polar, at codon 271 of the HMCN1 protein (p.Gly271Arg).

NM_031935.3(HMCN1):c.811G>A (p.Gly271Arg)

Gene: HMCN1 (hemicentin 1; plus strand). Cytogenetic location: 1q31.1.
Variant type: single nucleotide variant.
Coding change: c.811G>A on transcript NM_031935.3 (MANE Select); coding-DNA position 811, G replaced by A.
Protein change: p.Gly271Arg; replaces glycine 271 with arginine.
Molecular consequence: missense variant.
Genome position (GRCh38, 1-based): chr1:185,911,691, G>A. VCF-style: chr1-185911691-G-A. GRCh37 (hg19) VCF-style: chr1-185880823-G-A.
Other names: short protein forms G271R.
Identifiers: ClinVar variation 2127649 (VCV002127649.4), dbSNP rs1299137273, ClinGen allele CA343885538.
Genomic context (GRCh38, chr1:185,911,691, plus strand): 5'-GAGAGAAGGATTGTGCTTGTTACCTTTATGTTCTGTCTTTCAGGGAAGCTGATAAAAAAG[G>A]GATTTGGCCTGCATGAGCTATTAAATATCCATAACTCTGCCAAAGTAGTGAATGTGAAAG-3'
Protein context (NP_114141.2, residues 261-281): RNPLGKLIKK[Gly271Arg]FGLHELLNIH